The following is an entry in ClinVar:

ClinVar aggregate classification (germline): Uncertain significance (1 of 4 stars; one submission).

Conditions:
Gnathodiaphyseal dysplasia (GDD). Also called: GNATHODIAPHYSEAL SCLEROSIS; OSTEOGENESIS IMPERFECTA WITH UNUSUAL SKELETAL LESIONS. Identifiers: Orphanet 53697, MedGen C1833736, MONDO:0008151, OMIM 166260.
Autosomal recessive limb-girdle muscular dystrophy type 2L (LGMDR12). Also called: Limb-girdle muscular dystrophy, type 2L; MUSCULAR DYSTROPHY, LIMB-GIRDLE, AUTOSOMAL RECESSIVE 12; Limb-Girdle Muscular Dystrophy R12 Anoctamin-5-Related (LGMD-R12). Identifiers: Orphanet 206549, MedGen C1969785, MONDO:0012652, OMIM 611307.

Submission:

Labcorp Genetics (formerly Invitae), Labcorp
Classification: Uncertain significance for Autosomal recessive limb-girdle muscular dystrophy type 2L; Gnathodiaphyseal dysplasia. Last evaluated: 2025-06-04. Review status: criteria provided, single submitter. Criteria: Invitae Variant Classification Sherloc (09022015). Collection method: clinical testing. Allele origin: germline.
Comment: This sequence change replaces proline, which is neutral and non-polar, with alanine, which is neutral and non-polar, at codon 288 of the ANO5 protein (p.Pro288Ala). This variant is not present in population databases (gnomAD no frequency). This variant has not been reported in the literature in individuals affected with ANO5-related conditions. Invitae Evidence Modeling of protein sequence and biophysical properties (such as structural, functional, and spatial information, amino acid conservation, physicochemical variation, residue mobility, and thermodynamic stability) indicates that this missense variant is expected to disrupt ANO5 protein function with a positive predictive value of 95%. In summary, the available evidence is currently insufficient to determine the role of this variant in disease. Therefore, it has been classified as a Variant of Uncertain Significance.

NM_213599.3(ANO5):c.862C>G (p.Pro288Ala)

Gene: ANO5 (anoctamin 5; plus strand). Cytogenetic location: 11p14.3.
Variant type: single nucleotide variant.
Coding change: c.862C>G on transcript NM_213599.3 (MANE Select); coding-DNA position 862, C replaced by G.
Protein change: p.Pro288Ala; replaces proline 288 with alanine.
Molecular consequence: missense variant.
Genome position (GRCh38, 1-based): chr11:22,239,668, C>G. VCF-style: chr11-22239668-C-G. GRCh37 (hg19) VCF-style: chr11-22261214-C-G.
Other names: c.859C>G, p.Pro287Ala (NM_001142649.2); c.820C>G, p.Pro274Ala (NM_001410963.1, NM_001441300.1); c.817C>G, p.Pro273Ala (NM_001410964.1, NM_001441301.1); c.784C>G, p.Pro262Ala (NM_001441294.1); c.781C>G, p.Pro261Ala (NM_001441295.1); c.769C>G, p.Pro257Ala (NM_001441296.1, NM_001441302.1); c.742C>G, p.Pro248Ala (NM_001441297.1); c.706C>G, p.Pro236Ala (NM_001441298.1); and 1 more; short protein forms P235A, P274A, P287A, P262A, P273A, P288A, P236A, P257A.
Identifiers: ClinVar variation 4794428 (VCV004794428.1).